The following is an entry in ClinVar:

NM_015001.3(SPEN):c.3019C>A (p.Pro1007Thr)

Gene: SPEN (spen family transcriptional repressor; plus strand). Cytogenetic location: 1p36.13.
Variant type: single nucleotide variant.
Coding change: c.3019C>A on transcript NM_015001.3 (MANE Select); coding-DNA position 3019, C replaced by A.
Protein change: p.Pro1007Thr; replaces proline 1007 with threonine.
Molecular consequence: missense variant.
Genome position (GRCh38, 1-based): chr1:15,929,259, C>A. VCF-style: chr1-15929259-C-A. GRCh37 (hg19) VCF-style: chr1-16255754-C-A.
Other names: short protein forms P1007T.
Identifiers: ClinVar variation 3035008 (VCV003035008.2), dbSNP rs147379398, ClinGen allele CA619376.
Genomic context (GRCh38, chr1:15,929,259, plus strand): 5'-CGCTTTGCAGATTCCAATTTAAAAGCAGAAAAGCAAAAACCAGAGGTCAAGAAAAGCAGT[C>A]CAGAGATGGAGGATGCTCGCGTGCTTTCAAAAAAGCAGCCTGACGTGTCCTCTAGAGAGG-3'
Protein context (NP_055816.2, residues 997-1017): KQKPEVKKSS[Pro1007Thr]EMEDARVLSK

ClinVar aggregate classification (germline): Benign (0 of 4 stars; one submission).

Conditions:
SPEN-related disorder. Also called: SPEN-related condition.

Allele frequency attached by ClinVar (database versions not stated): ExAC 0.00082; 1000 Genomes Project 0.00180; 1000 Genomes Project 30x 0.00203; gnomAD 0.00281; ESP Exome Variant Server 0.00300.
gnomAD v4.1: 790 of 1,614,036 alleles (0.049%); highest among the groups gnomAD compares: African/African-American, 0.97%; 7 homozygotes.

Submission:

PreventionGenetics, part of Exact Sciences
Classification: Benign for SPEN-related condition. Last evaluated: 2019-08-08. Review status: no assertion criteria provided. Collection method: clinical testing. Allele origin: germline.
Comment: This variant is classified as benign based on ACMG/AMP sequence variant interpretation guidelines (Richards et al. 2015 PMID: 25741868, with internal and published modifications).